The following is an entry in ClinVar:

NM_006231.4(POLE):c.4994C>G (p.Ser1665Cys)

Gene: POLE (DNA polymerase epsilon, catalytic subunit; minus strand). Cytogenetic location: 12q24.33.
Variant type: single nucleotide variant.
Coding change: c.4994C>G on transcript NM_006231.4 (MANE Select); coding-DNA position 4994, C replaced by G.
Protein change: p.Ser1665Cys; replaces serine 1665 with cysteine.
Molecular consequence: missense variant.
Genome position (GRCh38, 1-based): chr12:132,642,356, G>C on the plus strand (C>G on the coding strand, the complement: POLE is on the minus strand). VCF-style: chr12-132642356-G-C. GRCh37 (hg19) VCF-style: chr12-133218942-G-C.
Other names: c.4994C>G (NM_006231.2); short protein forms S1665C.
Identifiers: ClinVar variation 1006842 (VCV001006842.10), dbSNP rs1565937052, ClinGen allele CA387377480.

ClinVar aggregate classification (germline): Uncertain significance. Review status: criteria provided, multiple submitters, no conflicts (2 of 4 stars). 2 submissions from 2 submitters: Uncertain significance (2). Last evaluated 2024-05-21.

Conditions:
Hereditary cancer-predisposing syndrome. Also called: Hereditary neoplastic syndrome; Neoplastic Syndromes, Hereditary; Tumor predisposition; Hereditary Cancer Syndrome. Identifiers: Orphanet 140162, MedGen C0027672, MeSH D009386, MONDO:0015356.

Submissions (2):

Labcorp Genetics (formerly Invitae), Labcorp
Classification: Uncertain significance. Last evaluated: 2024-05-21. Review status: criteria provided, single submitter. Criteria: Invitae Variant Classification Sherloc (09022015). Collection method: clinical testing. Allele origin: germline.
Comment: This sequence change replaces serine, which is neutral and polar, with cysteine, which is neutral and slightly polar, at codon 1665 of the POLE protein (p.Ser1665Cys). This variant is not present in population databases (gnomAD no frequency). This variant has not been reported in the literature in individuals affected with POLE-related conditions. ClinVar contains an entry for this variant (Variation ID: 1006842). Advanced modeling of protein sequence and biophysical properties (such as structural, functional, and spatial information, amino acid conservation, physicochemical variation, residue mobility, and thermodynamic stability) performed at Invitae indicates that this missense variant is not expected to disrupt POLE protein function with a negative predictive value of 80%. In summary, the available evidence is currently insufficient to determine the role of this variant in disease. Therefore, it has been classified as a Variant of Uncertain Significance.

Ambry Genetics
Classification: Uncertain significance for Hereditary cancer-predisposing syndrome. Last evaluated: 2023-09-01. Review status: criteria provided, single submitter. Criteria: Ambry Variant Classification Scheme 2023. Collection method: clinical testing. Allele origin: germline.
Comment: The p.S1665C variant (also known as c.4994C>G), located in coding exon 38 of the POLE gene, results from a C to G substitution at nucleotide position 4994. The serine at codon 1665 is replaced by cysteine, an amino acid with dissimilar properties. This amino acid position is conserved. In addition, the in silico prediction for this alteration is inconclusive. Since supporting evidence is limited at this time, the clinical significance of this alteration remains unclear.